The following is an entry in ClinVar:

ClinVar aggregate classification (germline): Likely benign. Review status: criteria provided, multiple submitters, no conflicts (2 of 4 stars). 2 submissions from 2 submitters: Likely benign (2). Last evaluated 2025-05-06.

Conditions:
Neuropathy, hereditary sensory and autonomic, type 2A (HSAN2A). Also called: HSAN IIA; ACROOSTEOLYSIS, GIACCAI TYPE; ACROOSTEOLYSIS, NEUROGENIC; MORVAN DISEASE; NEUROPATHY, CONGENITAL SENSORY; NEUROPATHY, HEREDITARY SENSORY RADICULAR, AUTOSOMAL RECESSIVE. Identifiers: Orphanet 970, MedGen C2752089, MONDO:0024309, OMIM 201300.
Pseudohypoaldosteronism type 2C (PHA2C). Also called: Pseudohypoaldosteronism Type IIC. Identifiers: Orphanet 757, Orphanet 88940, MedGen C1840391, MONDO:0013778, OMIM 614492.

Allele frequency attached by ClinVar (database versions not stated): gnomAD exomes 0.00001 and below 0.00001; ExAC 0.00001.
gnomAD v4.1: 11 of 1,612,826 alleles (0.00068%); highest among the groups gnomAD compares: Admixed American, 0.0017%; no homozygotes.

Submissions (2):

Mayo Clinic Laboratories, Mayo Clinic
Classification: Likely benign. Last evaluated: 2025-05-06. Review status: criteria provided, single submitter. Criteria: ACMG Guidelines, 2015. Collection method: clinical testing. Allele origin: germline. Observed: 1 variant allele.
Comment: BP4, BP7

Labcorp Genetics (formerly Invitae), Labcorp
Classification: Likely benign for Neuropathy, hereditary sensory and autonomic, type 2A; Pseudohypoaldosteronism type 2C. Last evaluated: 2024-09-11. Review status: criteria provided, single submitter. Criteria: Invitae Variant Classification Sherloc (09022015). Collection method: clinical testing. Allele origin: germline.

NM_018979.4(WNK1):c.45C>T (p.Ser15=)

Gene: WNK1 (WNK lysine deficient protein kinase 1; plus strand). Cytogenetic location: 12p13.33.
Variant type: single nucleotide variant.
Coding change: c.45C>T on transcript NM_018979.4 (MANE Select); coding-DNA position 45, C replaced by T.
Protein change: p.Ser15=; no amino-acid change (serine 15 retained).
Molecular consequence: synonymous variant.
Genome position (GRCh38, 1-based): chr12:753,610, C>T. VCF-style: chr12-753610-C-T. GRCh37 (hg19) VCF-style: chr12-862776-C-T.
Other names: p.Ser15=; c.45C>T (NM_213655.4); c.45C>T, p.Ser15= (NM_001184985.2, NM_014823.3, NM_213655.5).
Identifiers: ClinVar variation 1645118 (VCV001645118.9), dbSNP rs769543809, ClinGen allele CA6381704.
Genomic context (GRCh38, chr12:753,610, plus strand): 5'-CTCCAGCGAACCGACCATGTCTGGCGGCGCCGCAGAGAAGCAGAGCAGCACTCCCGGTTC[C>T]CTGTTCCTCTCGCCGCCGGCTCCTGCCCCCAAGAATGGCTCCAGCTCCGATTCCTCCGTG-3'
Protein context (NP_061852.3, residues 5-25): AAEKQSSTPG[Ser15=]LFLSPPAPAP